The following is an entry in ClinVar:

ClinVar aggregate classification (germline): Likely benign. Review status: criteria provided, multiple submitters, no conflicts (2 of 4 stars). 2 submissions from 2 submitters: Likely benign (2). Last evaluated 2026-05-13.

Conditions:
Neurofibromatosis, type 1 (NF1). Also called: VON RECKLINGHAUSEN DISEASE; NEUROFIBROMATOSIS, TYPE I, SOMATIC; Neurofibromatosis, type I; Peripheral type neurofibromatosis. Identifiers: Orphanet 636, MedGen C0027831, MONDO:0018975, OMIM 162200. Disease mechanism: loss of function.

Allele frequency attached by ClinVar (database versions not stated): ExAC 0.00002; gnomAD 0.00005 and 0.00006; gnomAD exomes 0.00001 and below 0.00001; TOPMed 0.00003; ESP Exome Variant Server 0.00008.
gnomAD v4.1: 15 of 1,613,848 alleles (0.00093%); highest among the groups gnomAD compares: African/African-American, 0.02%; no homozygotes.

Submissions (2):

Myriad Genetics, Inc.
Classification: Likely benign for Neurofibromatosis, type 1. Last evaluated: 2026-05-13. Review status: criteria provided, single submitter. Criteria: Myriad Autosomal Dominant, Autosomal Recessive and X-Linked Classification Criteria (2023). Collection method: clinical testing. Allele origin: unknown.
Comment: This variant is considered likely benign. This variant is intronic and is not expected to impact mRNA splicing.

Labcorp Genetics (formerly Invitae), Labcorp
Classification: Likely benign for Neurofibromatosis, type 1. Last evaluated: 2025-12-23. Review status: criteria provided, single submitter. Criteria: Invitae Variant Classification Sherloc (09022015). Collection method: clinical testing. Allele origin: germline.

NM_001042492.3(NF1):c.7063-15G>A

Gene: NF1 (neurofibromin 1; plus strand). Cytogenetic location: 17q11.2.
Variant type: single nucleotide variant.
Coding change: c.7063-15G>A on transcript NM_001042492.3 (MANE Select); 15 bases into the intron before coding-DNA position 7063, G replaced by A.
Molecular consequence: intron variant.
Genome position (GRCh38, 1-based): chr17:31,342,994, G>A. VCF-style: chr17-31342994-G-A. GRCh37 (hg19) VCF-style: chr17-29670012-G-A.
Other names: c.7000-15G>A (NM_000267.4).
Identifiers: ClinVar variation 1653274 (VCV001653274.9), dbSNP rs375376967, ClinGen allele CA8487493.